The following is an entry in ClinVar:

ClinVar aggregate classification (germline): Benign (1 of 4 stars; one submission).

Submission:

Mayo Clinic Laboratories, Mayo Clinic
Classification: Benign. Last evaluated: 2024-12-24. Review status: criteria provided, single submitter. Criteria: ACMG Guidelines, 2015. Collection method: clinical testing. Allele origin: germline. Observed: 1 variant allele.
Comment: BA1, BP4_moderate

NM_000941.3:c.1508C>T

Gene: POR (cytochrome p450 oxidoreductase; plus strand).
Variant type: single nucleotide variant.
Other names: p.Ala503Val; c.1508C>T (NM_000941.3).
Identifiers: ClinVar variation 4683278 (VCV004683278.1).